The following is an entry in ClinVar:

NC_012920.1(MT-ND4):m.11964T>G

Gene: MT-ND4 (mitochondrially encoded NADH dehydrogenase 4; plus strand).
Variant type: single nucleotide variant.
Genome position: chrM-11964-T-G.
Identifiers: ClinVar variation 693391 (VCV000693391.1), dbSNP rs1603223491, ClinGen allele CA414811872.
Genomic context (GRCh38, chrMT:11,964, plus strand): 5'-TAGTAACCACGTTCTCCTGATCAAATATCACTCTCCTACTTACAGGACTCAACATACTAG[T>G]CACAGCCCTATACTCCCTCTACATATTTACCACAACACAATGGGGCTCACTCACCCACCA-3'

ClinVar aggregate classification (germline): Uncertain significance (1 of 4 stars; one submission).

Conditions:
Leigh syndrome (NULS). Also called: Leigh's necrotizing encephalopathy; Leigh's disease; Leigh Syndrome (mtDNA deletion); Leigh Disease; Subacute necrotizing encephalopathy; Necrotizing encephalopathy infantile subacute of Leigh. Identifiers: Orphanet 506, MedGen C2931891, MONDO:0009723, OMIM 256000.

Submission:

Wong Mito Lab, Molecular and Human Genetics, Baylor College of Medicine
Classification: Uncertain significance for Leigh syndrome. Last evaluated: 2019-10-17. Review status: criteria provided, single submitter. Criteria: Modified ACMG Guidelines (Unpublished). Collection method: clinical testing. Allele origin: germline.
Comment: The NC_012920.1:m.11964T>G (YP_003024035.1:p.Val402Gly) variant in MTND4 gene is interpretated to be a Uncertain Significance variant based on the modified ACMG guidelines (unpublished). This variant meets the following evidence codes: PP7, BP4